The following is an entry in ClinVar:

ClinVar aggregate classification (germline): Uncertain significance (1 of 4 stars; one submission).

Submission:

GeneDx
Classification: Uncertain significance. Last evaluated: 2022-09-01. Review status: criteria provided, single submitter. Criteria: GeneDx Variant Classification Process June 2021. Collection method: clinical testing. Allele origin: germline. Affected: yes.
Comment: Not observed at significant frequency in large population cohorts (gnomAD); In-frame deletion of 1 amino acids in a non-repeat region; In silico analysis supports that this variant does not alter protein structure/function; Has not been previously published as pathogenic or benign to our knowledge

NM_019842.4(KCNQ5):c.8_10del (p.Arg3del)

Genes: KCNQ5 (potassium voltage-gated channel subfamily Q member 5; plus strand), KCNQ5-DT (KCNQ5 divergent transcript; minus strand), LOC129996711 (ATAC-STARR-seq lymphoblastoid silent region 17329; plus strand). Cytogenetic location: 6q13.
Variant type: Deletion.
Coding change: c.8_10del on transcript NM_019842.4 (MANE Select); coding-DNA positions 8 to 10, 3 bases deleted (GCC; older notation c.8_10delGCC).
Protein change: p.Arg3del; deletes arginine 3.
Molecular consequence: inframe deletion.
Genome position (GRCh38, 1-based): chr6:72,622,197-72,622,199, GCC deleted; deleting any 3 consecutive bases within chr6:72,622,195-72,622,199 gives the same sequence; the c. name uses the placement nearest the transcript's 3' end. VCF-style (leftmost placement, unchanged base first): chr6-72622194-CCCG-C. GRCh37 (hg19) VCF-style: chr6-73331922-CCCG-C.
Other names: c.8_10del, p.Arg3del (NM_001160130.2, NM_001160132.2, NM_001160133.2 and 1 more transcripts); short protein forms R3del.
Identifiers: ClinVar variation 2442450 (VCV002442450.1), dbSNP rs2481564835, ClinGen allele CA2580075734.